The following is an entry in ClinVar:

ClinVar aggregate classification (germline): Uncertain significance (1 of 4 stars; one submission).

Conditions:
Hereditary cancer-predisposing syndrome. Also called: Neoplastic Syndromes, Hereditary; Tumor predisposition; Hereditary Cancer Syndrome; Hereditary neoplastic syndrome. Identifiers: Orphanet 140162, MedGen C0027672, MeSH D009386, MONDO:0015356.

Submission:

Ambry Genetics
Classification: Uncertain significance for Hereditary cancer-predisposing syndrome. Last evaluated: 2021-10-15. Review status: criteria provided, single submitter. Criteria: Ambry Variant Classification Scheme 2023. Collection method: clinical testing. Allele origin: germline.
Comment: The c.2965_2966insT () alteration, located in exon 26 (coding exon 25) of the TSC2 gene, consists of an insertion of T at position 2965, causing a translational frameshift with a predicted alternate stop codon after amino acids. Frameshift alterations are typically deleterious in nature (Richards, 2015). Based on insufficient or conflicting evidence, the clinical significance of this alteration remains unclear.

NM_000548.5(TSC2):c.2965_2966insT (p.Ser989fs)

Gene: TSC2 (TSC complex subunit 2; plus strand). Cytogenetic location: 16p13.3.
Variant type: Insertion.
Coding change: c.2965_2966insT on transcript NM_000548.5 (MANE Select); coding-DNA positions 2965 to 2966, T inserted.
Protein change: p.Ser989fs; shifts the reading frame from serine 989.
Molecular consequence: frameshift variant. On other transcripts: intron variant (9).
Genome position: GRCh38 VCF-style: chr16-2077725-A-AT. GRCh37 (hg19) VCF-style: chr16-2127726-A-AT.
Other names: c.2965_2966insT, p.Ser989fs (NM_001114382.3); c.2965_2966insT, p.Arg989Metfs (NM_001406663.1, NM_001406664.1); c.2854_2855insT, p.Ser952Metfs (NM_001406670.1); c.2818_2819insT, p.Ser940Metfs (NM_001406675.1); c.2818_2819insT, p.Arg940Metfs (NM_001406676.1); c.2365_2366insT, p.Ser789Metfs (NM_001406680.1, NM_001406682.1, NM_001406683.1); c.2365_2366insT, p.Arg789Metfs (NM_001406684.1); c.1621_1622insT, p.Ser541Metfs (NM_001406689.1); and 5 more; short protein forms S989fs.
Identifiers: ClinVar variation 2245590 (VCV002245590.2), dbSNP rs2543979897, ClinGen allele CA2580090908.
Genomic context (GRCh38, chr16:2,077,725, plus strand): 5'-AGCTCTGCAGCCGAGGCCTTCCGGTGCCGCAGCATCAGTGTGTCTGAACATGTGGTCCGC[A>AT]GGTAGCGGGACTGTCGGGTGGGGGGCACGGACCCTGGAGCTTGGCCCCGTGAGCACCTGG-3'